The following is an entry in ClinVar:

ClinVar aggregate classification (germline): Likely benign. Review status: criteria provided, single submitter (1 of 4 stars). 2 submissions from 2 submitters: Likely benign (1). 1 of the submissions does not count toward it. Last evaluated 2024-03-14.

Conditions:
RYR1-related disorder. Also called: RYR1-related condition; RYR1-related disorders. Identifiers: MedGen CN239331.

Allele frequency attached by ClinVar (database versions not stated): gnomAD exomes below 0.00001.
gnomAD v4.1: 2 of 1,613,560 alleles (0.00012%); highest among the groups gnomAD compares: South Asian, 0.0011%; no homozygotes.

Submissions (2):

Labcorp Genetics (formerly Invitae), Labcorp
Classification: Likely benign for RYR1-related disorder. Last evaluated: 2024-03-14. Review status: criteria provided, single submitter. Criteria: Invitae Variant Classification Sherloc (09022015). Collection method: clinical testing. Allele origin: germline.

PreventionGenetics, part of Exact Sciences
Classification: Likely benign for RYR1-related condition. Last evaluated: 2019-03-13. Review status: no assertion criteria provided. Collection method: clinical testing. Allele origin: germline. Not counted in ClinVar's aggregate classification.
Comment: This variant is classified as likely benign based on ACMG/AMP sequence variant interpretation guidelines (Richards et al. 2015 PMID: 25741868, with internal and published modifications).

NM_000540.3(RYR1):c.5166C>T (p.Ala1722=)

Gene: RYR1 (ryanodine receptor 1; plus strand). Cytogenetic location: 19q13.2.
Variant type: single nucleotide variant.
Coding change: c.5166C>T on transcript NM_000540.3 (MANE Select); coding-DNA position 5166, C replaced by T.
Protein change: p.Ala1722=; no amino-acid change (alanine 1722 retained).
Molecular consequence: synonymous variant.
Genome position (GRCh38, 1-based): chr19:38,485,821, C>T. VCF-style: chr19-38485821-C-T. GRCh37 (hg19) VCF-style: chr19-38976461-C-T.
Other names: c.5166C>T, p.Ala1722= (NM_001042723.2).
Identifiers: ClinVar variation 703289 (VCV000703289.14), dbSNP rs1395096712, ClinGen allele CA507353165.
Genomic context (GRCh38, chr19:38,485,821, plus strand): 5'-GCCAGGCCCACTGCGCGCAGGCTACTATGACCTCCTCATCAGCATCCACCTCGAAAGTGC[C>T]TGCCGCAGCCGCCGCTCCATGCTCTCTGAATACATCGTGCCCCTCACGCCTGAGACCCGC-3'
Protein context (NP_000531.2, residues 1712-1732): DLLISIHLES[Ala1722=]CRSRRSMLSE